The following is an entry in ClinVar:

ClinVar aggregate classification (germline): Uncertain significance (1 of 4 stars; one submission).

Allele frequency attached by ClinVar (database versions not stated): gnomAD exomes below 0.00001.
gnomAD v4.1: 3 of 1,447,486 alleles (0.00021%); highest among the groups gnomAD compares: Non-Finnish European, 0.00029%; no homozygotes.

Submission:

Labcorp Genetics (formerly Invitae), Labcorp
Classification: Uncertain significance. Last evaluated: 2023-04-15. Review status: criteria provided, single submitter. Criteria: Invitae Variant Classification Sherloc (09022015). Collection method: clinical testing. Allele origin: germline.
Comment: This variant is not present in population databases (gnomAD no frequency). In summary, the available evidence is currently insufficient to determine the role of this variant in disease. Therefore, it has been classified as a Variant of Uncertain Significance. Advanced modeling of protein sequence and biophysical properties (such as structural, functional, and spatial information, amino acid conservation, physicochemical variation, residue mobility, and thermodynamic stability) performed at Invitae indicates that this missense variant is not expected to disrupt GHR protein function. This variant has not been reported in the literature in individuals affected with GHR-related conditions. This sequence change replaces leucine, which is neutral and non-polar, with proline, which is neutral and non-polar, at codon 268 of the GHR protein (p.Leu268Pro).

NM_000163.5(GHR):c.803T>C (p.Leu268Pro)

Gene: GHR (growth hormone receptor; plus strand). Cytogenetic location: 5p12.
Variant type: single nucleotide variant.
Coding change: c.803T>C on transcript NM_000163.5 (MANE Select); coding-DNA position 803, T replaced by C.
Protein change: p.Leu268Pro; replaces leucine 268 with proline.
Molecular consequence: missense variant.
Genome position (GRCh38, 1-based): chr5:42,713,447, T>C. VCF-style: chr5-42713447-T-C. GRCh37 (hg19) VCF-style: chr5-42713549-T-C.
Other names: c.824T>C, p.Leu275Pro (NM_001242399.2); c.803T>C, p.Leu268Pro (NM_001242400.2, NM_001242401.4, NM_001242402.2 and 5 more transcripts); c.737T>C, p.Leu246Pro (NM_001242460.2); short protein forms L246P, L275P, L268P.
Identifiers: ClinVar variation 2874326 (VCV002874326.3), dbSNP rs2530753146, ClinGen allele CA359627536.
Genomic context (GRCh38, chr5:42,713,447, plus strand): 5'-CTATTCGTAATTCTGAAAGCGAAATATTCTTGTGTGTTTCAGATTTCTACTTTCCATGGC[T>C]CTTAATTATTATCTTTGGAATATTTGGGCTAACAGTGATGCTATTTGTATTCTTATTTTC-3'
Protein context (NP_000154.1, residues 258-278): TCEEDFYFPW[Leu268Pro]LIIIFGIFGL